The following is an entry in ClinVar:

ClinVar aggregate classification (germline): Pathogenic (1 of 4 stars; one submission).

Conditions:
Mitochondrial complex 2 deficiency, nuclear type 2. Also called: MITOCHONDRIAL COMPLEX II DEFICIENCY, NUCLEAR TYPE 2. Identifiers: MedGen C5436933, MONDO:0030935, OMIM 619166.

Allele frequency attached by ClinVar (database versions not stated): gnomAD exomes below 0.00001 and 0.00001; TOPMed below 0.00001; gnomAD 0.00001.

Submission:

Victorian Clinical Genetics Services, Murdoch Childrens Research Institute
Classification: Pathogenic for Mitochondrial complex 2 deficiency, nuclear type 2. Last evaluated: 2022-09-02. Review status: criteria provided, single submitter. Criteria: ACMG Guidelines, 2015. Collection method: clinical testing. Allele origin: germline. Inheritance: Autosomal recessive inheritance. Affected: yes.
Comment: Based on the classification scheme VCGS_Germline_v1.3.4, this variant is classified as Pathogenic. Following criteria are met: 0102 - Loss of function is a known mechanism of disease in this gene and is associated with Mitochondrial complex II deficiency, nuclear type 2 (MIM#619166). (I) 0106 - This gene is associated with autosomal recessive disease. (I) 0204 - Variant is predicted to result in a truncated protein with at least 1/3 of the protein sequence affected. This gene has only one exon and premature termination codons in this gene are predicted to result in loss of function. (SP) 0251 - This variant is heterozygous. (I) 0304 - Variant is present in gnomAD <0.01 for a recessive condition (v2: 2 heterozygotes, 0 homozygotes). (SP) 0702 - Other loss of function variants comparable to the one identified in this case have moderate previous evidence for pathogenicity (ClinVar, PMID:26749241, PMID:33162331). (SP) 0803 - This variant has limited previous evidence of pathogenicity in an unrelated individual. This variant has been reported as homozygous in a patient with developmental regression (PMID:31130284). (SP) 0905 - No published segregation evidence has been identified for this variant. (I) 1007 - No published functional evidence has been identified for this variant. (I) 1102 - Strong phenotype match for this individual. (I) Legend: (SP) - Supporting pathogenic, (I) - Information, (SB) - Supporting benign

Literature cited by the submitters: PubMed 26749241; PubMed 31130284; PubMed 33162331.

NM_001042631.3(SDHAF1):c.28C>T (p.Gln10Ter)

Genes: SDHAF1 (succinate dehydrogenase complex assembly factor 1; plus strand), LOC130064279 (ATAC-STARR-seq lymphoblastoid active region 14513; plus strand). Cytogenetic location: 19q13.12.
Variant type: single nucleotide variant.
Coding change: c.28C>T on transcript NM_001042631.3 (MANE Select); coding-DNA position 28, C replaced by T.
Protein change: p.Gln10Ter; replaces glutamine 10 with a stop codon.
Molecular consequence: nonsense.
Genome position (GRCh38, 1-based): chr19:35,995,302, C>T. VCF-style: chr19-35995302-C-T. GRCh37 (hg19) VCF-style: chr19-36486204-C-T.
Other names: short protein forms Q10*.
Identifiers: ClinVar variation 1699123 (VCV001699123.3), dbSNP rs1397859218, ClinGen allele CA405422832.
Genomic context (GRCh38, chr19:35,995,302, plus strand): 5'-TCGTTCGCTGAGCGTCTCTGCTTAGCCGCGGTCATGAGCCGGCACAGCCGGCTGCAGAGG[C>T]AGGTTCTGAGCCTGTACCGCGATCTGCTGCGCGCCGGGCGTGGGAAGCCGGGCGCCGAGG-3'